The following is an entry in ClinVar:

ClinVar aggregate classification (germline): Conflicting classifications of pathogenicity. Review status: criteria provided, conflicting classifications (1 of 4 stars). 12 submissions from 12 submitters: Uncertain significance (7); Likely benign (4). 1 of the submissions does not count toward it. Last evaluated 2026-09-04.

Conditions:
VHL-related disorder. Also called: VHL-related condition.
Von Hippel-Lindau syndrome (VHLS). Also called: von Hippel–Lindau syndrome; Von Hippel-Lindau; VHL syndrome. Identifiers: Orphanet 892, MedGen C0019562, MONDO:0008667, OMIM 193300. Disease mechanism: loss of function.
Chuvash polycythemia. Also called: POLYCYTHEMIA, VHL-DEPENDENT. Identifiers: Orphanet 238557, MedGen C1837915, MONDO:0009892, OMIM 263400.
Hereditary cancer-predisposing syndrome. Also called: Neoplastic Syndromes, Hereditary; Hereditary neoplastic syndrome; Hereditary Cancer Syndrome; Tumor predisposition. Identifiers: Orphanet 140162, MedGen C0027672, MeSH D009386, MONDO:0015356.
Nonpapillary renal cell carcinoma. Identifiers: Orphanet 422526, MedGen CN074294, MONDO:0007763, OMIM 144700.
Pheochromocytoma. Also called: MAX-Related Hereditary Paraganglioma-Pheochromocytoma Syndrome. Identifiers: Orphanet 29072, MedGen C0031511, MONDO:0008233, OMIM 171300, HP:0002666.

Allele frequency attached by ClinVar (database versions not stated): TOPMed 0.00002; 1000 Genomes Project 30x 0.00016.

Submissions (12):

PreventionGenetics, part of Exact Sciences
Classification: Uncertain significance for VHL-related condition. Last evaluated: 2026-09-04. Review status: criteria provided, single submitter. Criteria: ACMG Guidelines, 2015. Collection method: clinical testing. Allele origin: germline.
Comment: The VHL c.3G>T variant is predicted to disrupt the translation initiation site (Start loss). This variant was reported in an individual with breast cancer (Chan et al. 2018. PubMed ID: 30093976) and in an individual with pilocytic astrocytoma (Table S3, Wagener et al. 2021. PubMed ID: 33840814). This variant is reported in 0.017% of alleles in individuals of European (Finnish) descent in gnomAD and has conflicting interpretations in ClinVar of uncertain and likely benign (Variation ID: 238106). Of note, a second translational start site (at codon 54) of VHL has been documented that can lead to a biologically active protein (Iliopoulos et al. 1998. PubMed ID: 9751722; Schoenfeld et al. 1998. PubMed ID: 9671762), hence it is possible that loss of the conventional start site can result into a functional VHL protein, by the use of the second translational start site. At this time, the clinical significance of this variant is uncertain due to the absence of conclusive functional and genetic evidence.

Labcorp Genetics (formerly Invitae), Labcorp
Classification: Uncertain significance for Von Hippel-Lindau syndrome; Chuvash polycythemia. Last evaluated: 2026-01-26. Review status: criteria provided, single submitter. Criteria: Invitae Variant Classification Sherloc (09022015). Collection method: clinical testing. Allele origin: germline.
Comment: This sequence change affects the initiator codon of the VHL mRNA. This change may impact translation initiation or efficiency. The next in-frame methionine is located at codon 54. It is unclear whether it will result in an absent or disrupted protein product because an in-frame methionine located at codon 54 has the potential to rescue this variant. This variant is present in population databases (rs578091032, gnomAD 0.02%). Disruption of the initiator codon has been observed in individual(s) with breast cancer and/or pilocytic astrocytoma (PMID: 30093976, 33840814). ClinVar contains an entry for this variant (Variation ID: 238106). Several studies have shown that the VHL protein created from a downstream methionine located at codon 54 is biologically active, and exhibits properties similar to the full-length, wild-type protein (PMID: 9671762, 9751722). In summary, the available evidence is currently insufficient to determine the role of this variant in disease. Therefore, it has been classified as a Variant of Uncertain Significance.

Dasa
Classification: Uncertain significance for von Hippel-Lindau disease. Last evaluated: 2025-12-11. Review status: criteria provided, single submitter. Criteria: DASA Assertion Criteria. Collection method: clinical testing. Allele origin: germline.
Comment: NM_000551.4(VHL):c.3G>T (p.Met1?) is a start-loss variant predicted to alter the translation initiation codon and impair normal protein translation. This variant has been reported in individuals with VHL-related disorders. This classification is supported by population frequency inconsistent with a disease-causing role. Computational prediction algorithms are consistent with a benign effect. The currently available literature and clinical evidence are not sufficient to establish a definitive association between this variant and the reported condition. Therefore, this variant is classified as a variant of uncertain significance.

Quest Diagnostics Nichols Institute San Juan Capistrano
Classification: Likely benign. Last evaluated: 2025-09-10. Review status: criteria provided, single submitter. Criteria: Quest Diagnostics criteria. Collection method: clinical testing. Allele origin: unknown.

Color Diagnostics, LLC DBA Color Health
Classification: Likely benign for Von Hippel-Lindau syndrome. Last evaluated: 2025-07-05. Review status: criteria provided, single submitter. Criteria: ACMG Guidelines, 2015. Collection method: clinical testing. Allele origin: germline.

Myriad Genetics, Inc.
Classification: Likely benign for Von Hippel-Lindau syndrome. Last evaluated: 2024-08-20. Review status: criteria provided, single submitter. Criteria: Myriad Autosomal Dominant, Autosomal Recessive and X-Linked Classification Criteria (2023). Collection method: clinical testing. Allele origin: unknown.
Comment: This variant is considered likely benign. This variant has been observed at a population frequency that is significantly greater than expected given the associated disease prevalence and penetrance.

GeneDx
Classification: Uncertain significance. Last evaluated: 2024-01-17. Review status: criteria provided, single submitter. Criteria: GeneDx Variant Classification Process June 2021. Collection method: clinical testing. Allele origin: germline. Affected: yes.
Comment: Initiation codon variant in a gene for which a downstream in-frame ATG produces an alternate clinically-relevant isoform, pVHL19, that may result in a functional protein (PMID: 10102622, 9751722, 9671762); This variant is associated with the following publications: (PMID: 9751722, 10102622, 9671762, 23541568, 30093976, 32191290, 33840814)

Women's Health and Genetics/Laboratory Corporation of America, LabCorp
Classification: Uncertain significance. Last evaluated: 2022-10-18. Review status: criteria provided, single submitter. Criteria: LabCorp Variant Classification Summary - May 2015. Collection method: clinical testing. Allele origin: germline.
Comment: Variant summary: VHL c.3G>T (p.Met1Ile) alters the initiation codon and is predicted to result either in absence of the protein or truncation of the encoded protein due to translation initiation at a downstream codon (Met52). The variant allele was found at a frequency of 5.8e-05 in 139020 control chromosomes. The available data on variant occurrences in the general population are insufficient to allow any conclusion about variant significance. c.3G>T has been reported in the literature in individuals affected with Breast cancer (Chan_2018). This report does not provide unequivocal conclusions about association of the variant with Von Hippel-Lindau Syndrome. To our knowledge, no experimental evidence demonstrating an impact on protein function of this particular variant has been reported. There are, however, reports that a second conserved in-frame AUG acts as the start site for an alternate VHL product containing the functional domains in human cells, and knock-in mice that produce the shorter isoform appear phenotypically normal except for altered microtubule dynamics (Schoenfeld_1998, Iliopoulos_1998, Frew_2013). Six clinical diagnostic laboratories have submitted clinical-significance assessments for this variant to ClinVar after 2014 without evidence for independent evaluation. All laboratories classified the variant as uncertain significance. Based on the evidence outlined above, the variant was classified as uncertain significance.

Ambry Genetics
Classification: Likely benign for Hereditary cancer-predisposing syndrome. Last evaluated: 2022-08-20. Review status: criteria provided, single submitter. Criteria: Ambry Variant Classification Scheme 2023. Collection method: clinical testing. Allele origin: germline.

Sema4
Classification: Uncertain significance for Hereditary cancer-predisposing syndrome. Last evaluated: 2022-02-19. Review status: criteria provided, single submitter. Criteria: Sema4 Curation Guidelines. Collection method: curation. Allele origin: germline.
Comment: The VHL c.3G>T (p.M1?) variant has been reported in individuals with breast cancer (PMID: 30093976) and brain tumor (PMID: 33840814). This variant impacts the initiation codon thereby possibly disrupting the protein function. However, studies demonstrated that a shorter VHL protein is also expressed which initiates from a downstream methionine. This shorter VHL protein has been shown a similar function to the full length, normal protein (PMID: 9671762, 9751722). A knock-in mouse model with the first translational initiation site changed from methionine to leucine (M1L) was reported not to exhibit obvious phenotypic abnormalities but it showed altered microtubule activity on the cellular level (PMID: 23541568). This variant was observed in 3/18074 chromosomes in the Finnish population according to the Genome Aggregation Database. The variant has been reported in ClinVar (Variation ID: 238106). Based on the current evidence available, this variant is interpreted as a variant of uncertain significance.

Fulgent Genetics
Classification: Uncertain significance for Nonpapillary renal cell carcinoma; Pheochromocytoma; Von Hippel-Lindau syndrome; Chuvash polycythemia. Last evaluated: 2021-11-24. Review status: criteria provided, single submitter. Criteria: ACMG Guidelines, 2015. Collection method: clinical testing. Allele origin: unknown.

Counsyl
Classification: Uncertain significance for Von Hippel-Lindau syndrome. Last evaluated: 2016-03-08. Review status: no assertion criteria provided. Collection method: clinical testing. Allele origin: unknown. Not counted in ClinVar's aggregate classification.

Literature cited by the submitters: PubMed 30093976 (cited by 3 submitters); PubMed 33840814 (cited by Labcorp Genetics (formerly Invitae), Labcorp and Sema4); PubMed 9671762 (cited by 4 submitters); PubMed 9751722 (cited by 4 submitters); PubMed 23541568 (cited by 3 submitters).

NM_000551.4(VHL):c.3G>T (p.Met1Ile)

Gene: VHL (von Hippel-Lindau tumor suppressor; plus strand). Cytogenetic location: 3p25.3.
Variant type: single nucleotide variant.
Coding change: c.3G>T on transcript NM_000551.4 (MANE Select); coding-DNA position 3, G replaced by T.
Protein change: p.Met1Ile; changes the start codon (methionine 1).
Molecular consequence: missense variant, initiator codon variant.
Genome position (GRCh38, 1-based): chr3:10,141,850, G>T. VCF-style: chr3-10141850-G-T. GRCh37 (hg19) VCF-style: chr3-10183534-G-T.
Other names: c.3G>T, p.Met1Ile (NM_001354723.2, NM_198156.3); short protein forms M1I.
Identifiers: ClinVar variation 238106 (VCV000238106.28), dbSNP rs578091032, ClinGen allele CA040825.